The following is an entry in ClinVar:

NM_001684.5(ATP2B4):c.3555T>C (p.Asp1185=)

Gene: ATP2B4 (ATPase plasma membrane Ca2+ transporting 4; plus strand). Cytogenetic location: 1q32.1.
Variant type: single nucleotide variant.
Coding change: c.3555T>C on transcript NM_001684.5 (MANE Select); coding-DNA position 3555, T replaced by C.
Protein change: p.Asp1185=; no amino-acid change (aspartic acid 1185 retained).
Molecular consequence: synonymous variant. On other transcripts: 3 prime UTR variant (1).
Genome position (GRCh38, 1-based): chr1:203,739,791, T>C. VCF-style: chr1-203739791-T-C. GRCh37 (hg19) VCF-style: chr1-203708919-T-C.
Other names: c.*220T>C (NM_001001396.3).
Identifiers: ClinVar variation 3034789 (VCV003034789.2), dbSNP rs758017863, ClinGen allele CA1342258.

ClinVar aggregate classification (germline): Likely benign (0 of 4 stars; one submission).

Conditions:
ATP2B4-related disorder. Also called: ATP2B4-related condition.

Allele frequency attached by ClinVar (database versions not stated): ExAC 0.00003; gnomAD exomes 0.00003; gnomAD 0.00021; TOPMed 0.00023.
gnomAD v4.1: 77 of 1,614,046 alleles (0.0048%); highest among the groups gnomAD compares: Admixed American, 0.09%; no homozygotes.

Submission:

PreventionGenetics, part of Exact Sciences
Classification: Likely benign for ATP2B4-related condition. Last evaluated: 2019-08-06. Review status: no assertion criteria provided. Collection method: clinical testing. Allele origin: germline.
Comment: This variant is classified as likely benign based on ACMG/AMP sequence variant interpretation guidelines (Richards et al. 2015 PMID: 25741868, with internal and published modifications).